The following is an entry in ClinVar:

ClinVar aggregate classification (germline): Uncertain significance (1 of 4 stars; one submission).

Conditions:
Glycogen storage disease type III (GSD3). Also called: Cori disease; FORBES DISEASE. Identifiers: Orphanet 366, MedGen C0017922, MONDO:0009291, OMIM 232400.

Allele frequency attached by ClinVar (database versions not stated): gnomAD exomes below 0.00001.
gnomAD v4.1: 1 of 1,613,398 alleles (0.000062%); highest among the groups gnomAD compares: Admixed American, 0.0017%; no homozygotes.

Submission:

Labcorp Genetics (formerly Invitae), Labcorp
Classification: Uncertain significance for Glycogen storage disease type III. Last evaluated: 2022-08-02. Review status: criteria provided, single submitter. Criteria: Invitae Variant Classification Sherloc (09022015). Collection method: clinical testing. Allele origin: germline.
Comment: In summary, the available evidence is currently insufficient to determine the role of this variant in disease. Therefore, it has been classified as a Variant of Uncertain Significance. Variants that disrupt the consensus splice site are a relatively common cause of aberrant splicing (PMID: 17576681, 9536098). Algorithms developed to predict the effect of sequence changes on RNA splicing suggest that this variant is not likely to affect RNA splicing. This variant has not been reported in the literature in individuals affected with AGL-related conditions. This variant is present in population databases (no rsID available, gnomAD 0.003%). This sequence change falls in intron 12 of the AGL gene. It does not directly change the encoded amino acid sequence of the AGL protein. It affects a nucleotide within the consensus splice site.

Literature cited by the submitters: PubMed 17576681; PubMed 9536098.

NM_000642.3(AGL):c.1611+4C>T

Gene: AGL (amylo-alpha-1,6-glucosidase and 4-alpha-glucanotransferase; plus strand). Cytogenetic location: 1p21.2.
Variant type: single nucleotide variant.
Coding change: c.1611+4C>T on transcript NM_000642.3 (MANE Select); 4 bases into the intron after coding-DNA position 1611, C replaced by T.
Molecular consequence: intron variant.
Genome position (GRCh38, 1-based): chr1:99,877,832, C>T. VCF-style: chr1-99877832-C-T. GRCh37 (hg19) VCF-style: chr1-100343388-C-T.
Other names: c.1407+4C>T (NM_001425329.1, NM_001425328.1); c.1233+4C>T (NM_001425332.1); c.1611+4C>T (NM_001425325.1, NM_000028.3, NM_000643.3 and 2 more transcripts); c.1563+4C>T (NM_000646.3); c.1410+4C>T (NM_001425327.1).
Identifiers: ClinVar variation 1942489 (VCV001942489.4), dbSNP rs1363101376, ClinGen allele CA524878343.
Genomic context (GRCh38, chr1:99,877,832, plus strand): 5'-TATTTCCAGGGAGTACGTCTTGATAACTGCCACTCAACACCTCTTCACGTAGCTGAGGTA[C>T]AGAAAAACAATTTATCTACATTAAGAAAAGAAATTCAGTGTTCCTTCCTAGCTTTCCTTA-3'